The following is an entry in ClinVar:

NM_144670.6(A2ML1):c.3717+61G>C

Gene: A2ML1 (alpha-2-macroglobulin like 1; plus strand). Cytogenetic location: 12p13.31.
Variant type: single nucleotide variant.
Coding change: c.3717+61G>C on transcript NM_144670.6 (MANE Select); 61 bases into the intron after coding-DNA position 3717, G replaced by C.
Molecular consequence: intron variant.
Genome position (GRCh38, 1-based): chr12:8,864,069, G>C. VCF-style: chr12-8864069-G-C. GRCh37 (hg19) VCF-style: chr12-9016665-G-C.
Other names: c.2244+61G>C (NM_001282424.3).
Identifiers: ClinVar variation 561569 (VCV000561569.2), dbSNP rs17802489, ClinGen allele CA13613200.
Genomic context (GRCh38, chr12:8,864,069, plus strand): 5'-GTAAACAGCCTGTTCTCCCACTGCCACTTATCAGGTAGAATTAGATCTTGTGTGGAGATA[G>C]AGGAAAACATATTGTCCTTGCCTTCTCGGTCCAGGGGCTTAGAGAGAGGAAAAGCCTGTG-3'

ClinVar aggregate classification (germline): Benign. Review status: criteria provided, multiple submitters, no conflicts (2 of 4 stars). 2 submissions from 2 submitters: Benign (2). Last evaluated 2018-06-14.

Allele frequency attached by ClinVar (database versions not stated): 1000 Genomes Project 30x 0.09791; 1000 Genomes Project 0.10004; TOPMed 0.10302; gnomAD 0.10604 and 0.10811; gnomAD exomes 0.12017.
gnomAD v4.1: 177,922 of 1,498,088 alleles (12%); highest among the groups gnomAD compares: South Asian, 17%; 11,174 homozygotes.

Submissions (2):

GeneDx
Classification: Benign. Last evaluated: 2018-06-14. Review status: criteria provided, single submitter. Criteria: GeneDx Variant Classification (06012015). Collection method: clinical testing. Allele origin: germline. Affected: yes.
Comment: This variant is considered likely benign or benign based on one or more of the following criteria: it is a conservative change, it occurs at a poorly conserved position in the protein, it is predicted to be benign by multiple in silico algorithms, and/or has population frequency not consistent with disease.

Breakthrough Genomics
Classification: Benign. Review status: criteria provided, single submitter. Criteria: ACMG Guidelines, 2015. Collection method: not provided. Allele origin: germline. Inheritance: Autosomal dominant inheritance. Affected: yes.